The following is an entry in ClinVar:

ClinVar aggregate classification (germline): Uncertain significance (1 of 4 stars; one submission).

Allele frequency attached by ClinVar (database versions not stated): TOPMed 0.00001.
gnomAD v4.1: 1 of 1,277,246 alleles (0.000078%); highest among the groups gnomAD compares: Non-Finnish European, 0.000099%; no homozygotes.

Submission:

Labcorp Genetics (formerly Invitae), Labcorp
Classification: Uncertain significance. Last evaluated: 2021-01-29. Review status: criteria provided, single submitter. Criteria: Invitae Variant Classification Sherloc (09022015). Collection method: clinical testing. Allele origin: germline.
Comment: In summary, the available evidence is currently insufficient to determine the role of this variant in disease. Therefore, it has been classified as a Variant of Uncertain Significance. Algorithms developed to predict the effect of missense changes on protein structure and function are either unavailable or do not agree on the potential impact of this missense change (SIFT: "Deleterious"; PolyPhen-2: "Benign"; Align-GVGD: "Class C0"). This variant has not been reported in the literature in individuals with PAX1-related conditions. The frequency data for this variant in the population databases is considered unreliable, as metrics indicate insufficient coverage at this position in the ExAC database. This sequence change replaces proline with leucine at codon 26 of the PAX1 protein (p.Pro26Leu). The proline residue is weakly conserved and there is a moderate physicochemical difference between proline and leucine.

NM_001257096.2(PAX1):c.77C>T (p.Pro26Leu)

Gene: PAX1 (paired box 1; plus strand). Cytogenetic location: 20p11.22.
Variant type: single nucleotide variant.
Coding change: c.77C>T on transcript NM_001257096.2 (MANE Select); coding-DNA position 77, C replaced by T.
Protein change: p.Pro26Leu; replaces proline 26 with leucine.
Molecular consequence: missense variant.
Genome position (GRCh38, 1-based): chr20:21,705,789, C>T. VCF-style: chr20-21705789-C-T. GRCh37 (hg19) VCF-style: chr20-21686427-C-T.
Other names: c.77C>T, p.Pro26Leu (NM_006192.5); short protein forms P26L.
Identifiers: ClinVar variation 1475574 (VCV001475574.8), dbSNP rs1168919032, ClinGen allele CA408496820.
Genomic context (GRCh38, chr20:21,705,789, plus strand): 5'-GCCTGGGGTCGCGGGCGTGGAGAGTGTCCTGGGAGGGGGCAGCAGCGGCGGCGGCAGGCC[C>T]TGGAGCGGGCGGCAGCGCGCTCCGCTGCCGCGCACAGCGCGTCTCCAGCCCGCGGCTGGG-3'
Protein context (NP_001244025.1, residues 16-36): WEGAAAAAAG[Pro26Leu]GAGGSALRCR